The following is an entry in ClinVar:

ClinVar aggregate classification (germline): Uncertain significance (1 of 4 stars; one submission).

Conditions:
Myofibrillar myopathy 4. Also called: Zaspopathy (type). Identifiers: Orphanet 98912, MedGen C4721886, MONDO:0012277, OMIM 609452.

Submission:

Labcorp Genetics (formerly Invitae), Labcorp
Classification: Uncertain significance for Myofibrillar myopathy 4. Last evaluated: 2023-05-23. Review status: criteria provided, single submitter. Criteria: Invitae Variant Classification Sherloc (09022015). Collection method: clinical testing. Allele origin: germline.
Comment: ClinVar contains an entry for this variant (Variation ID: 1092937). This variant has not been reported in the literature in individuals affected with LDB3-related conditions. Information on the frequency of this variant in the gnomAD database is not available, as this variant may be reported differently in the database. This sequence change replaces serine, which is neutral and polar, with cysteine, which is neutral and slightly polar, at codon 190 of the LDB3 protein (p.Ser190Cys). The LDB3 gene has multiple clinically relevant transcripts. This variant occurs in alternate transcript NM_007078.3, and corresponds to NM_001080116.1:c.321+1524_321+1525delinsTT in the primary transcript. Experimental studies and prediction algorithms are not available or were not evaluated, and the functional significance of this variant is currently unknown. In summary, the available evidence is currently insufficient to determine the role of this variant in disease. Therefore, it has been classified as a Variant of Uncertain Significance.

NM_007078.3(LDB3):c.567_568delinsTT (p.Ser190Cys)

Gene: LDB3 (LIM domain binding 3; plus strand). Cytogenetic location: 10q23.2.
Variant type: Indel.
Coding change: c.567_568delinsTT on transcript NM_007078.3 (MANE Select); coding-DNA positions 567 to 568, GA replaced by TT.
Protein change: p.Ser190Cys; replaces serine 190 with cysteine.
Molecular consequence: missense variant. On other transcripts: intron variant (5).
Genome position (GRCh38, 1-based): chr10:86,681,681-86,681,682, GA replaced by TT. VCF-style: chr10-86681681-GA-TT. GRCh37 (hg19) VCF-style: chr10-88441438-GA-TT.
Other names: c.567_568delinsTT, p.Ser190Cys (NM_001080115.2, NM_001171610.2, NM_001171611.2 and 3 more transcripts); c.321+1524_321+1525delinsTT (NM_001368068.1, NM_001368066.1, NM_001080114.2 and 2 more transcripts); short protein forms S190C.
Identifiers: ClinVar variation 1092937 (VCV001092937.9), dbSNP rs2132372538, ClinGen allele CA2499220412.
Genomic context (GRCh38, chr10:86,681,681, plus strand): 5'-GGCCAAGACCAGCCCAGAGGGGGCCCGGGACCTACTCGGCCCAAAAGCCCTGCCGGGCTC[GA>TT]GCCAGCCGAGGCAATATAACAACCCCATTGGCCTGTACTCGGCAGAGACCCTGAGGGAGA-3'
Protein context (NP_009009.1, residues 180-200): LLGPKALPGS[Ser190Cys]QPRQYNNPIG